The following is an entry in ClinVar:

ClinVar aggregate classification (germline): Benign. Review status: criteria provided, multiple submitters, no conflicts (2 of 4 stars). 3 submissions from 3 submitters: Benign (3). Last evaluated 2026-01-21.

Allele frequency attached by ClinVar (database versions not stated): gnomAD exomes 0.48319; ExAC 0.50798; TOPMed 0.53546; ESP Exome Variant Server 0.53638; 1000 Genomes Project 0.55531; 1000 Genomes Project 30x 0.56027.
gnomAD v4.1: 787,906 of 1,612,780 alleles (49%); highest among the groups gnomAD compares: African/African-American, 64%; 194,689 homozygotes.

Submissions (3):

Women's Health and Genetics/Laboratory Corporation of America, LabCorp
Classification: Benign. Last evaluated: 2026-01-21. Review status: criteria provided, single submitter. Criteria: LabCorp Variant Classification Summary - May 2015. Collection method: clinical testing. Allele origin: germline.

Unidad de Genómica Garrahan, Hospital de Pediatría Garrahan
Classification: Benign. Last evaluated: 2024-01-24. Review status: criteria provided, single submitter. Criteria: ACMG Guidelines, 2015. Collection method: clinical testing. Allele origin: germline. Affected: no. Observed: 80 variant alleles.
Comment: This variant is classified as Benign based on local population frequency. This variant was detected in 84% of patients studied by a panel of primary immunodeficiencies. Number of patients: 80. Only high quality variants are reported.

Mayo Clinic Laboratories, Mayo Clinic
Classification: Benign. Last evaluated: 2022-09-06. Review status: criteria provided, single submitter. Criteria: ACMG Guidelines, 2015. Collection method: clinical testing. Allele origin: germline. Observed: 19 variant alleles.

NM_005565.5(LCP2):c.978G>A (p.Gln326=)

Gene: LCP2 (lymphocyte cytosolic protein 2; minus strand). Cytogenetic location: 5q35.1.
Variant type: single nucleotide variant.
Coding change: c.978G>A on transcript NM_005565.5 (MANE Select); coding-DNA position 978, G replaced by A.
Protein change: p.Gln326=; no amino-acid change (glutamine 326 retained).
Molecular consequence: synonymous variant.
Genome position (GRCh38, 1-based): chr5:170,258,159, C>T on the plus strand (G>A on the coding strand, the complement: LCP2 is on the minus strand). VCF-style: chr5-170258159-C-T. GRCh37 (hg19) VCF-style: chr5-169685163-C-T.
Other names: p.Gln326=.
Identifiers: ClinVar variation 2687970 (VCV002687970.4), dbSNP rs315717, ClinGen allele CA3555451.